The following is an entry in ClinVar:

ClinVar aggregate classification (germline): Uncertain significance (1 of 4 stars; one submission).

gnomAD v4.1: 3 of 1,528,308 alleles (0.0002%); highest among the groups gnomAD compares: Non-Finnish European, 0.00018%; no homozygotes.

Submission:

CeGaT Center for Human Genetics Tuebingen
Classification: Uncertain significance. Last evaluated: 2023-06-01. Review status: criteria provided, single submitter. Criteria: CeGaT Center For Human Genetics Tuebingen Variant Classification Criteria Version 2. Collection method: clinical testing. Allele origin: germline. Affected: yes. Observed: 1 variant allele.
Comment: TBX1: PM2, PP3, PS2:Supporting

NM_001379200.1(TBX1):c.328G>A (p.Val110Met)

Gene: TBX1 (T-box transcription factor 1; plus strand). Cytogenetic location: 22q11.21.
Variant type: single nucleotide variant.
Coding change: c.328G>A on transcript NM_001379200.1 (MANE Select); coding-DNA position 328, G replaced by A.
Protein change: p.Val110Met; replaces valine 110 with methionine.
Molecular consequence: missense variant.
Genome position (GRCh38, 1-based): chr22:19,761,171, G>A. VCF-style: chr22-19761171-G-A. GRCh37 (hg19) VCF-style: chr22-19748694-G-A.
Other names: c.301G>A, p.Val101Met (NM_005992.1, NM_080646.2, NM_080647.1); short protein forms V101M, V110M.
Identifiers: ClinVar variation 2652867 (VCV002652867.24), dbSNP rs1221938042, ClinGen allele CA410681619.